The following is an entry in ClinVar:

ClinVar aggregate classification (germline): Uncertain significance (1 of 4 stars; one submission).

Allele frequency attached by ClinVar (database versions not stated): gnomAD 0.00003; ExAC 0.00004; gnomAD exomes 0.00005; TOPMed 0.00006; ESP Exome Variant Server 0.00009; 1000 Genomes Project 0.00040; 1000 Genomes Project 30x 0.00062.
gnomAD v4.1: 81 of 1,588,644 alleles (0.0051%); highest among the groups gnomAD compares: Admixed American, 0.011%; no homozygotes.

Submission:

Labcorp Genetics (formerly Invitae), Labcorp
Classification: Uncertain significance. Last evaluated: 2022-11-23. Review status: criteria provided, single submitter. Criteria: Invitae Variant Classification Sherloc (09022015). Collection method: clinical testing. Allele origin: germline.
Comment: This sequence change falls in intron 22 of the PPP1R12A gene. It does not directly change the encoded amino acid sequence of the PPP1R12A protein. This variant is present in population databases (rs184458345, gnomAD 0.005%). This variant has not been reported in the literature in individuals affected with PPP1R12A-related conditions. Experimental studies and prediction algorithms are not available or were not evaluated, and the effect of this variant on mRNA splicing is currently unknown. In summary, the available evidence is currently insufficient to determine the role of this variant in disease. Therefore, it has been classified as a Variant of Uncertain Significance.

NM_002480.3(PPP1R12A):c.2802+16A>G

Gene: PPP1R12A (protein phosphatase 1 regulatory subunit 12A; minus strand). Cytogenetic location: 12q21.2.
Variant type: single nucleotide variant.
Coding change: c.2802+16A>G on transcript NM_002480.3 (MANE Select); 16 bases into the intron after coding-DNA position 2802, A replaced by G.
Molecular consequence: intron variant.
Genome position (GRCh38, 1-based): chr12:79,788,632, T>C on the plus strand (A>G on the coding strand, the complement: PPP1R12A is on the minus strand). VCF-style: chr12-79788632-T-C. GRCh37 (hg19) VCF-style: chr12-80182412-T-C.
Other names: c.2634+16A>G (NM_001244992.1); c.2802+16A>G (NM_001244990.2, NM_001143885.2); c.2541+16A>G (NM_001143886.2).
Identifiers: ClinVar variation 2868256 (VCV002868256.3), dbSNP rs184458345, ClinGen allele CA6699340.